The following is an entry in ClinVar:

NM_138576.4(BCL11B):c.1283C>A (p.Ser428Ter)

Gene: BCL11B (BCL11 transcription factor B; minus strand). Cytogenetic location: 14q32.2.
Variant type: single nucleotide variant.
Coding change: c.1283C>A on transcript NM_138576.4 (MANE Select); coding-DNA position 1283, C replaced by A.
Protein change: p.Ser428Ter; replaces serine 428 with a stop codon.
Molecular consequence: nonsense.
Genome position (GRCh38, 1-based): chr14:99,175,553, G>T on the plus strand (C>A on the coding strand, the complement: BCL11B is on the minus strand). VCF-style: chr14-99175553-G-T. GRCh37 (hg19) VCF-style: chr14-99641890-G-T.
Other names: c.1280C>A, p.Ser427Ter (NM_001282237.2); c.1067C>A, p.Ser356Ter (NM_001282238.2); c.1070C>A, p.Ser357Ter (NM_022898.3); short protein forms S356*, S357*, S427*, S428*.
Identifiers: ClinVar variation 1190998 (VCV001190998.2), dbSNP rs2139759343, ClinGen allele CA390935739.

ClinVar aggregate classification (germline): Likely pathogenic (1 of 4 stars; one submission).

Submission:

GeneDx
Classification: Likely pathogenic. Last evaluated: 2019-07-18. Review status: criteria provided, single submitter. Criteria: GeneDx Variant Classification Process June 2021. Collection method: clinical testing. Allele origin: germline. Affected: yes.
Comment: Nonsense variant in the C-terminus predicted to result in protein truncation, as the last 467 amino acids are lost, and other loss-of-function variants have been reported downstream in the Human Gene Mutation Database (Stenson et al., 2014); Not observed in large population cohorts (Lek et al., 2016); Has not been previously published as pathogenic or benign to our knowledge